The following is an entry in ClinVar:

NM_001267550.2(TTN):c.105568T>A (p.Ser35190Thr)

Genes: TTN-AS1 (TTN antisense RNA 1; plus strand), TTN (titin; minus strand), LOC129935184 (ATAC-STARR-seq lymphoblastoid active region 16809; plus strand). Cytogenetic location: 2q31.2.
Variant type: single nucleotide variant.
Coding change: c.105568T>A on transcript NM_001267550.2 (MANE Select); coding-DNA position 105568, T replaced by A.
Protein change: p.Ser35190Thr; replaces serine 35190 with threonine.
Molecular consequence: missense variant.
Genome position (GRCh38, 1-based): chr2:178,531,047, A>T on the plus strand (T>A on the coding strand, the complement: TTN is on the minus strand). VCF-style: chr2-178531047-A-T. GRCh37 (hg19) VCF-style: chr2-179395774-A-T.
Other names: c.100645T>A, p.Ser33549Thr (NM_001256850.1); c.78373T>A, p.Ser26125Thr (NM_003319.4); c.97864T>A, p.Ser32622Thr (NM_133378.4); c.78748T>A, p.Ser26250Thr (NM_133432.3); c.78949T>A, p.Ser26317Thr (NM_133437.4); short protein forms S32622T, S35190T, S26317T, S26125T, S26250T, S33549T.
Identifiers: ClinVar variation 4786073 (VCV004786073.1).

ClinVar aggregate classification (germline): Uncertain significance (1 of 4 stars; one submission).

Conditions:
Autosomal recessive limb-girdle muscular dystrophy type 2J (LGMDR10). Also called: Limb-girdle muscular dystrophy, type 2J; MUSCULAR DYSTROPHY, LIMB-GIRDLE, AUTOSOMAL RECESSIVE 10. Identifiers: Orphanet 140922, MedGen C1837342, MONDO:0012127, OMIM 608807.
Dilated cardiomyopathy 1G (CMD1G). Identifiers: Orphanet 154, MedGen C1858763, MONDO:0011400, OMIM 604145.

Submission:

Labcorp Genetics (formerly Invitae), Labcorp
Classification: Uncertain significance for Dilated cardiomyopathy 1G; Autosomal recessive limb-girdle muscular dystrophy type 2J. Last evaluated: 2025-09-07. Review status: criteria provided, single submitter. Criteria: Invitae Variant Classification Sherloc (09022015). Collection method: clinical testing. Allele origin: germline.
Comment: This sequence change replaces serine, which is neutral and polar, with threonine, which is neutral and polar, at codon 35190 of the TTN protein (p.Ser35190Thr). This variant is not present in population databases (gnomAD no frequency). This variant has not been reported in the literature in individuals affected with TTN-related conditions. Experimental studies and prediction algorithms are not available or were not evaluated, and the functional significance of this variant is currently unknown. This variant is located in the M band of TTN (PMID: 25589632). Non-truncating variants in this region may be relevant for neuromuscular disorders, but have not been definitively shown to cause cardiomyopathy (PMID: 23975875). In summary, the available evidence is currently insufficient to determine the role of this variant in disease. Therefore, it has been classified as a Variant of Uncertain Significance.

Literature cited by the submitters: PubMed 25589632; PubMed 23975875.